The following is an entry in ClinVar:

NM_018026.4(PACS1):c.1346A>G (p.Asp449Gly)

Gene: PACS1 (phosphofurin acidic cluster sorting protein 1; plus strand). Cytogenetic location: 11q13.2.
Variant type: single nucleotide variant.
Coding change: c.1346A>G on transcript NM_018026.4 (MANE Select); coding-DNA position 1346, A replaced by G.
Protein change: p.Asp449Gly; replaces aspartic acid 449 with glycine.
Molecular consequence: missense variant.
Genome position (GRCh38, 1-based): chr11:66,227,556, A>G. VCF-style: chr11-66227556-A-G. GRCh37 (hg19) VCF-style: chr11-65995027-A-G.
Other names: short protein forms D449G.
Identifiers: ClinVar variation 1895689 (VCV001895689.6), dbSNP rs747647916, ClinGen allele CA6116548.

ClinVar aggregate classification (germline): Conflicting classifications of pathogenicity. Review status: criteria provided, conflicting classifications (1 of 4 stars). 2 submissions from 2 submitters: Uncertain significance (1); Likely benign (1). Last evaluated 2023-10-13.

Conditions:
Schuurs-Hoeijmakers syndrome. Also called: PACS1-Related Neurodevelopmental Disorder. Identifiers: Orphanet 329224, MedGen C3554343, MONDO:0014006, OMIM 615009.

Allele frequency attached by ClinVar (database versions not stated): TOPMed below 0.00001; ExAC 0.00001; gnomAD exomes 0.00001.
gnomAD v4.1: 10 of 1,611,494 alleles (0.00062%); highest among the groups gnomAD compares: South Asian, 0.0011%; no homozygotes.

Submissions (2):

Labcorp Genetics (formerly Invitae), Labcorp
Classification: Uncertain significance for Schuurs-Hoeijmakers syndrome. Last evaluated: 2023-10-13. Review status: criteria provided, single submitter. Criteria: Invitae Variant Classification Sherloc (09022015). Collection method: clinical testing. Allele origin: germline.
Comment: This sequence change replaces aspartic acid, which is acidic and polar, with glycine, which is neutral and non-polar, at codon 449 of the PACS1 protein (p.Asp449Gly). This variant is present in population databases (rs747647916, gnomAD 0.0009%). This variant has not been reported in the literature in individuals affected with PACS1-related conditions. ClinVar contains an entry for this variant (Variation ID: 1895689). Advanced modeling of protein sequence and biophysical properties (such as structural, functional, and spatial information, amino acid conservation, physicochemical variation, residue mobility, and thermodynamic stability) performed at Invitae indicates that this missense variant is not expected to disrupt PACS1 protein function. In summary, the available evidence is currently insufficient to determine the role of this variant in disease. Therefore, it has been classified as a Variant of Uncertain Significance.

Blueprint Genetics
Classification: Likely benign. Last evaluated: 2020-12-18. Review status: criteria provided, single submitter. Criteria: ACMG Guidelines, 2015. Collection method: clinical testing. Allele origin: germline.